The following is an entry in ClinVar:

ClinVar aggregate classification (germline): Pathogenic. Review status: reviewed by expert panel (3 of 4 stars). 5 submissions from 5 submitters: Pathogenic (1). 4 of the submissions do not count toward it. Last evaluated 2017-12-15.

Conditions:
Hereditary cancer-predisposing syndrome. Also called: Hereditary Cancer Syndrome; Neoplastic Syndromes, Hereditary; Hereditary neoplastic syndrome; Tumor predisposition. Identifiers: Orphanet 140162, MedGen C0027672, MeSH D009386, MONDO:0015356.
Breast-ovarian cancer, familial, susceptibility to, 1 (BROVCA1). Also called: BRCA1 Hereditary Breast and Ovarian Cancer; OVARIAN CANCER, SUSCEPTIBILITY TO. Identifiers: Orphanet 145, MedGen C2676676, MONDO:0011450, OMIM 604370. Disease mechanism: loss of function.
Fanconi anemia, complementation group S (FANCS). Identifiers: MedGen C4554406, MONDO:0054748, OMIM 617883.
Familial cancer of breast. Also called: BREAST CANCER, FAMILIAL; hereditary breast carcinoma; Hereditary breast cancer. Identifiers: Orphanet 227535, MedGen C0346153, MONDO:0016419, OMIM 114480. Disease mechanism: loss of function.
Hereditary breast ovarian cancer syndrome. Also called: Hereditary breast and ovarian cancer syndrome (HBOC); Breast and ovarian cancer; Hereditary breast and ovarian cancer syndrome; Hereditary breast and ovarian cancer; BRCA1- and BRCA2-Associated Hereditary Breast and Ovarian Cancer; Hereditary breast and/or ovarian cancer syndrome. Identifiers: Orphanet 145, MedGen C0677776, MeSH D061325, MONDO:0003582. Disease mechanism: loss of function.

Submissions (5):

Evidence-based Network for the Interpretation of Germline Mutant Alleles (ENIGMA)
Classification: Pathogenic for Breast-ovarian cancer, familial, susceptibility to, 1. Last evaluated: 2017-12-15. Review status: reviewed by expert panel. Criteria: ENIGMA BRCA1/2 Classification Criteria (2017-06-29). Collection method: curation. Allele origin: germline. Study: ENIGMA.
Comment: Variant allele predicted to encode a truncated non-functional protein.

Department of Pathology and Laboratory Medicine, Sinai Health System
Classification: Pathogenic for Familial cancer of breast; Breast-ovarian cancer, familial, susceptibility to, 1; Fanconi anemia, complementation group S. Last evaluated: 2021-12-14. Review status: criteria provided, single submitter. Criteria: ACMG Guidelines, 2015. Collection method: clinical testing. Allele origin: germline. Affected: yes. Not counted in ClinVar's aggregate classification.

Labcorp Genetics (formerly Invitae), Labcorp
Classification: Pathogenic for Hereditary breast ovarian cancer syndrome. Last evaluated: 2021-04-11. Review status: criteria provided, single submitter. Criteria: Invitae Variant Classification Sherloc (09022015). Collection method: clinical testing. Allele origin: germline. Not counted in ClinVar's aggregate classification.
Comment: For these reasons, this variant has been classified as Pathogenic. Loss-of-function variants in BRCA1 are known to be pathogenic (PMID: 20104584). This variant has not been reported in the literature in individuals with BRCA1-related conditions. ClinVar contains an entry for this variant (Variation ID: 252873). This variant is not present in population databases (ExAC no frequency). This sequence change creates a premature translational stop signal (p.Leu1086*) in the BRCA1 gene. It is expected to result in an absent or disrupted protein product.

Ambry Genetics
Classification: Pathogenic for Hereditary cancer-predisposing syndrome. Last evaluated: 2019-10-30. Review status: criteria provided, single submitter. Criteria: Ambry Variant Classification Scheme 2023. Collection method: clinical testing. Allele origin: germline. Not counted in ClinVar's aggregate classification.
Comment: The c.3257delT pathogenic mutation, also known as p.Leu1086*, located in coding exon 9 of the BRCA1 gene, results from a deletion of one nucleotide at nucleotide position 3257, causing a predicted alternate stop codon. This alteration is expected to result in loss of function by premature protein truncation or nonsense-mediated mRNA decay. As such, this alteration is interpreted as a disease-causing mutation.

Sharing Clinical Reports Project (SCRP)
Classification: Pathogenic for Breast-ovarian cancer, familial 1. Last evaluated: 2007-05-29. Review status: no assertion criteria provided. Collection method: clinical testing. Allele origin: germline. Not counted in ClinVar's aggregate classification.

Literature cited by the submitters: PubMed 20104584 (cited by Labcorp Genetics (formerly Invitae), Labcorp).

NM_007294.4(BRCA1):c.3257del (p.Arg1085_Leu1086insTer)

Genes: BRCA1 (BRCA1 DNA repair associated; minus strand), LOC126862571 (BRD4-independent group 4 enhancer GRCh37_chr17:41243136-41244335; plus strand). Cytogenetic location: 17q21.31.
Variant type: Deletion.
Coding change: c.3257del on transcript NM_007294.4 (MANE Select); coding-DNA position 3257, one base deleted (T; older notation c.3257delT).
Protein change: p.Arg1085_Leu1086insTer.
Molecular consequence: nonsense. On other transcripts: frameshift variant (2), intron variant (137).
Genome position (GRCh38, 1-based): chr17:43,092,274, A deleted on the plus strand (T on the coding strand, the reverse complement: BRCA1 is on the minus strand); the first of 2 consecutive A bases (chr17:43,092,274-43,092,275); deleting either gives the same sequence. VCF-style (leftmost placement, unchanged base first): chr17-43092273-TA-T. GRCh37 (hg19) VCF-style: chr17-41244290-TA-T.
Other names: 3376delT; c.3257delT (NM_007294.3); c.644-1242del (NM_001408463.1, NM_001408462.1, NM_001408470.1 and 3 more transcripts); c.524-1242del (NM_001408499.1, NM_001408498.1, NM_001408501.1 and 3 more transcripts); c.671-1242del (NM_001408422.1, NM_001408418.1, NM_001408423.1 and 2 more transcripts); c.707-1242del (NM_001408416.1, NM_001408413.1); c.578-1242del (NM_001408484.1, NM_001408478.1, NM_001408514.1 and 9 more transcripts); c.662-1242del (NM_001408450.1, NM_001408434.1, NM_001408447.1 and 6 more transcripts); and 44 more.
Identifiers: ClinVar variation 252873 (VCV000252873.14), dbSNP rs80357858, ClinGen allele CA10586103.